The following is an entry in ClinVar:

NM_173651.4(FSIP2):c.6060del (p.Glu2021fs)

Genes: FSIP2 (fibrous sheath interacting protein 2; plus strand), FSIP2-AS1 (FSIP2 antisense RNA 1; minus strand). Cytogenetic location: 2q32.1.
Variant type: Deletion.
Coding change: c.6060del on transcript NM_173651.4 (MANE Select); coding-DNA position 6060, one base deleted (A; older notation c.6060delA).
Protein change: p.Glu2021fs; shifts the reading frame from glutamic acid 2021.
Molecular consequence: frameshift variant.
Genome position (GRCh38, 1-based): chr2:185,793,196, A deleted; the last of 3 consecutive A bases (chr2:185,793,194-185,793,196); deleting any one gives the same sequence. VCF-style (leftmost placement, unchanged base first): chr2-185793193-TA-T. GRCh37 (hg19) VCF-style: chr2-186657920-TA-T.
Other names: short protein forms E2021fs.
Identifiers: ClinVar variation 3383076 (VCV003383076.2).

ClinVar aggregate classification (germline): Pathogenic (1 of 4 stars; one submission).

Conditions:
Spermatogenic failure 34. Identifiers: MedGen C4748403, MONDO:0029148, OMIM 618153.

Submission:

Juno Genomics, Hangzhou Juno Genomics, Inc
Classification: Pathogenic for Spermatogenic failure 34. Review status: criteria provided, single submitter. Criteria: ACMG Guidelines, 2015. Collection method: clinical testing. Allele origin: germline. Affected: yes.
Comment: Null variant in a gene where loss of function (LOF) is a known mechanism of disease.;Absent from controls (or at extremely low frequency if recessive) in Genome Aggregation Database, Exome Sequencing Project, 1000 Genomes Project, or Exome Aggregation Consortium.;Patient's phenotype or family history is highly specific for a disease with a single genetic etiology.